The following is an entry in ClinVar:

NM_003745.2(SOCS1):c.424G>C (p.Glu142Gln)

Gene: SOCS1 (suppressor of cytokine signaling 1; minus strand). Cytogenetic location: 16p13.13.
Variant type: single nucleotide variant.
Coding change: c.424G>C on transcript NM_003745.2 (MANE Select); coding-DNA position 424, G replaced by C.
Protein change: p.Glu142Gln; replaces glutamic acid 142 with glutamine.
Molecular consequence: missense variant.
Genome position (GRCh38, 1-based): chr16:11,255,055, C>G on the plus strand (G>C on the coding strand, the complement: SOCS1 is on the minus strand). VCF-style: chr16-11255055-C-G. GRCh37 (hg19) VCF-style: chr16-11348912-C-G.
Other names: short protein forms E142Q.
Identifiers: ClinVar variation 1343576 (VCV001343576.2), dbSNP rs765480579, ClinGen allele CA7902250.

ClinVar aggregate classification (germline): Uncertain significance. Review status: criteria provided, multiple submitters, no conflicts (2 of 4 stars). 2 submissions from 2 submitters: Uncertain significance (2). Last evaluated 2022-02-15.

Allele frequency attached by ClinVar (database versions not stated): gnomAD 0.00001; gnomAD exomes 0.00001 and 0.00002; TOPMed 0.00002; ExAC 0.00003.

Submissions (2):

Women's Health and Genetics/Laboratory Corporation of America, LabCorp
Classification: Uncertain significance. Last evaluated: 2022-02-15. Review status: criteria provided, single submitter. Criteria: LabCorp Variant Classification Summary - May 2015. Collection method: clinical testing. Allele origin: germline.
Comment: Variant summary: SOCS1 c.424G>C (p.Glu142Gln) results in a conservative amino acid change located in the SH2 domain (IPR000980) of the encoded protein sequence. Four of five in-silico tools predict a benign effect of the variant on protein function. The variant allele was found at a frequency of 1.7e-05 in 237486 control chromosomes. The available data on variant occurrences in the general population are insufficient to allow any conclusion about variant significance. To our knowledge, no occurrence of c.424G>C in individuals affected with Autoinflammatory Syndrome, Familial, With Or Without Immunodeficiency and no experimental evidence demonstrating its impact on protein function have been reported. No clinical diagnostic laboratories have submitted clinical-significance assessments for this variant to ClinVar after 2014. Based on the evidence outlined above, the variant was classified as uncertain significance.

Breakthrough Genomics
Classification: Uncertain significance. Review status: criteria provided, single submitter. Criteria: ACMG Guidelines, 2015. Collection method: not provided. Allele origin: germline. Inheritance: Autosomal dominant inheritance. Affected: yes.